The following is an entry in ClinVar:

ClinVar aggregate classification (germline): Likely pathogenic (1 of 4 stars; one submission).

Submission:

GeneDx
Classification: Likely pathogenic. Last evaluated: 2016-08-17. Review status: criteria provided, single submitter. Criteria: GeneDx Variant Classification (06012015). Collection method: clinical testing. Allele origin: germline. Affected: yes.
Comment: A variant that is likely pathogenic has been identified in the NRXN1 gene. The W40X nonsense variant has not been published as a pathogenic variant, nor has it been reported as a benign variant to our knowledge. It was not observed in approximately 6,100 individuals of European and African American ancestry in the NHLBI Exome Sequencing Project, indicating it is not a common benign variant in these populations. This variant is predicted to cause loss of normal protein function either through protein truncation or nonsense-mediated mRNA decay. Therefore, the W40X variant is likely pathogenic; however, the possibility that it is benign cannot be excluded.

NM_001330078.2(NRXN1):c.119G>A (p.Trp40Ter)

Gene: NRXN1 (neurexin 1; minus strand). Cytogenetic location: 2p16.3.
Variant type: single nucleotide variant.
Coding change: c.119G>A on transcript NM_001330078.2 (MANE Select); coding-DNA position 119, G replaced by A.
Protein change: p.Trp40Ter; replaces tryptophan 40 with a stop codon.
Molecular consequence: nonsense.
Genome position (GRCh38, 1-based): chr2:51,028,155, C>T on the plus strand (G>A on the coding strand, the complement: NRXN1 is on the minus strand). VCF-style: chr2-51028155-C-T. GRCh37 (hg19) VCF-style: chr2-51255293-C-T.
Other names: c.119G>A, p.Trp40Ter (NM_001135659.3, NM_001330077.2, NM_001330079.2 and 15 more transcripts); short protein forms W40*.
Identifiers: ClinVar variation 421996 (VCV000421996.2), dbSNP rs1064795493, ClinGen allele CA16617739.